The following is an entry in ClinVar:

ClinVar aggregate classification (germline): Uncertain significance (1 of 4 stars; one submission).

Submission:

Labcorp Genetics (formerly Invitae), Labcorp
Classification: Uncertain significance. Last evaluated: 2022-02-10. Review status: criteria provided, single submitter. Criteria: Invitae Variant Classification Sherloc (09022015). Collection method: clinical testing. Allele origin: germline.
Comment: This variant is not present in population databases (gnomAD no frequency). In summary, the available evidence is currently insufficient to determine the role of this variant in disease. Therefore, it has been classified as a Variant of Uncertain Significance. Algorithms developed to predict the effect of missense changes on protein structure and function (SIFT, PolyPhen-2, Align-GVGD) all suggest that this variant is likely to be tolerated. This variant has not been reported in the literature in individuals affected with MYO5B-related conditions. This sequence change replaces glutamic acid, which is acidic and polar, with alanine, which is neutral and non-polar, at codon 1181 of the MYO5B protein (p.Glu1181Ala).

NM_001080467.3(MYO5B):c.3542A>C (p.Glu1181Ala)

Gene: MYO5B (myosin VB; minus strand). Cytogenetic location: 18q21.1.
Variant type: single nucleotide variant.
Coding change: c.3542A>C on transcript NM_001080467.3 (MANE Select); coding-DNA position 3542, A replaced by C.
Protein change: p.Glu1181Ala; replaces glutamic acid 1181 with alanine.
Molecular consequence: missense variant.
Genome position (GRCh38, 1-based): chr18:49,872,228, T>G on the plus strand (A>C on the coding strand, the complement: MYO5B is on the minus strand). VCF-style: chr18-49872228-T-G. GRCh37 (hg19) VCF-style: chr18-47398598-T-G.
Other names: short protein forms E1181A.
Identifiers: ClinVar variation 1361508 (VCV001361508.8), dbSNP rs2144094068, ClinGen allele CA402428047.